The following is an entry in ClinVar:

ClinVar aggregate classification (germline): Likely pathogenic (1 of 4 stars; one submission).

Conditions:
Intellectual developmental disorder, X-linked, syndromic, Billuart type. Also called: MENTAL RETARDATION, X-LINKED 60; X-linked intellectual disability-cerebellar hypoplasia syndrome. Identifiers: Orphanet 137831, MedGen C1845366, MONDO:0010337, OMIM 300486.

Submission:

Center for Human Genetics and Genomic Medicine, Uniklinik Rwth Aachen
Classification: Likely pathogenic for Intellectual developmental disorder, X-linked, syndromic, Billuart type. Last evaluated: 2026-10-06. Review status: criteria provided, single submitter. Criteria: ACMG Guidelines, 2015. Collection method: clinical testing. Allele origin: maternal. Inheritance: X-linked inheritance. Affected: yes. Observed: 1 variant allele, 1 hemizygote.
Comment: This variant has not yet been reported in the literature or in the ClinVar database. It has not yet been detected in the general population (gnomAD v4.1.0) (PM2_Supporting). Frameshift variants in OPHN1 have already been reported multiple times as pathogenic (Schwartz TS et al., Eur J Med Genet. 2019 Feb) (PVS1).

Literature cited by the submitters: PubMed 29960046.

NM_002547.3(OPHN1):c.662_663dup (p.Leu222fs)

Gene: OPHN1 (oligophrenin 1; minus strand). Cytogenetic location: Xq12.
Variant type: Duplication.
Coding change: c.662_663dup on transcript NM_002547.3 (MANE Select); coding-DNA positions 662 to 663, 2 bases duplicated (TC; older notation c.662_663dupTC).
Protein change: p.Leu222fs; shifts the reading frame from leucine 222.
Molecular consequence: frameshift variant.
Genome position (GRCh38, 1-based): chrX:68,212,147-68,212,148, GA duplicated on the plus strand (TC on the coding strand, the reverse complement: OPHN1 is on the minus strand). VCF-style (leftmost placement, unchanged base first): chrX-68212146-G-GGA. GRCh37 (hg19) VCF-style: chrX-67431988-G-GGA.
Other names: c.662_663dup, p.Leu222fs (NM_001437258.1); short protein forms L222fs.
Identifiers: ClinVar variation 5043524 (VCV005043524.1).
Genomic context (GRCh38, chrX:68,212,146, plus strand): 5'-AAAAATCCACATGCAAACTCACATTCTGTAAACTGAGTTGGAGCTGTTGTTTGTATGGGA[G>GGA]GAAATCCTGTGTGAGCTCCACAGTCAGGCTGTTAGAAATGAACAGACTATGAAGAAAGGC-3'